The following is an entry in ClinVar:

NM_000515.5(GH1):c.134G>A (p.Arg45His)

Genes: GH-LCR (growth hormone locus control region; plus strand), GH1 (growth hormone 1; minus strand). Cytogenetic location: 17q23.3.
Variant type: single nucleotide variant.
Coding change: c.134G>A on transcript NM_000515.5 (MANE Select); coding-DNA position 134, G replaced by A.
Protein change: p.Arg45His; replaces arginine 45 with histidine.
Molecular consequence: missense variant.
Genome position (GRCh38, 1-based): chr17:63,918,383, C>T on the plus strand (G>A on the coding strand, the complement: GH1 is on the minus strand). VCF-style: chr17-63918383-C-T. GRCh37 (hg19) VCF-style: chr17-61995743-C-T.
Other names: c.134G>A, p.Arg45His (NM_022559.4, NM_022560.4); short protein forms R45H.
Identifiers: ClinVar variation 324456 (VCV000324456.12), dbSNP rs71640274, ClinGen allele CA8708344.

ClinVar aggregate classification (germline): Uncertain significance. Review status: criteria provided, multiple submitters, no conflicts (2 of 4 stars). 4 submissions from 4 submitters: Uncertain significance (4). Last evaluated 2025-11-11.

Conditions:
Decreased response to growth hormone stimulation test. Also called: Growth hormone deficiency. Identifiers: MedGen C5539399, HP:0000824.

Allele frequency attached by ClinVar (database versions not stated): ExAC 0.00015; 1000 Genomes Project 30x 0.00016; 1000 Genomes Project 0.00020; ESP Exome Variant Server 0.00038; gnomAD 0.00049 and 0.00053; TOPMed 0.00053.

Submissions (4):

Women's Health and Genetics/Laboratory Corporation of America, LabCorp
Classification: Uncertain significance. Last evaluated: 2025-11-11. Review status: criteria provided, single submitter. Criteria: LabCorp Variant Classification Summary - May 2015. Collection method: clinical testing. Allele origin: germline.
Comment: Variant summary: GH1 c.134G>A (p.Arg45His) results in a non-conservative amino acid change in the encoded protein sequence. Algorithms developed to predict the effect of missense changes on protein structure and function are either unavailable or do not agree on the potential impact of this missense change. The variant allele was found at a frequency of 0.00014 in 251478 control chromosomes. This frequency is not significantly higher than estimated for disease-causing variants in GH1, allowing no conclusion about variant significance. c.134G>A has been observed in individuals undergoing testing for GH1 variants with unclear phenotypes (Millar_2008, Blum_2018). These reports do not provide unequivocal conclusions about association of the variant with Idiopathic Growth Hormone Deficiency. At least one publication reports experimental evidence evaluating an impact on protein function, however, it does not allow convincing conclusions about the variant effect (Millar_2008). The following publications have been ascertained in the context of this evaluation (PMID: 30266296, 18950677). ClinVar contains an entry for this variant (Variation ID: 324456). Based on the evidence outlined above, the variant was classified as uncertain significance.

Labcorp Genetics (formerly Invitae), Labcorp
Classification: Uncertain significance. Last evaluated: 2025-09-13. Review status: criteria provided, single submitter. Criteria: Invitae Variant Classification Sherloc (09022015). Collection method: clinical testing. Allele origin: germline.
Comment: This sequence change replaces arginine, which is basic and polar, with histidine, which is basic and polar, at codon 45 of the GH1 protein (p.Arg45His). This variant is present in population databases (rs71640274, gnomAD 0.09%). This variant has not been reported in the literature in individuals affected with GH1-related conditions. ClinVar contains an entry for this variant (Variation ID: 324456). An algorithm developed to predict the effect of missense changes on protein structure and function outputs the following: PolyPhen-2: "Benign". The histidine amino acid residue is found in multiple mammalian species, which suggests that this missense change does not adversely affect protein function. In summary, the available evidence is currently insufficient to determine the role of this variant in disease. Therefore, it has been classified as a Variant of Uncertain Significance.

Blueprint Genetics
Classification: Uncertain significance. Last evaluated: 2024-06-17. Review status: criteria provided, single submitter. Criteria: ACMG Guidelines, 2015. Collection method: clinical testing. Allele origin: germline.

Illumina Laboratory Services, Illumina
Classification: Uncertain significance for Growth hormone deficiency. Last evaluated: 2018-01-13. Review status: criteria provided, single submitter. Criteria: ICSL Variant Classification Criteria 13 December 2019. Collection method: clinical testing. Allele origin: germline.

Literature cited by the submitters: PubMed 30266296 (cited by Women's Health and Genetics/Laboratory Corporation of America, LabCorp); PubMed 18950677 (cited by Women's Health and Genetics/Laboratory Corporation of America, LabCorp).